The following is an entry in ClinVar:

NM_007294.4(BRCA1):c.1352C>A (p.Ser451Ter)

Gene: BRCA1 (BRCA1 DNA repair associated; minus strand). Cytogenetic location: 17q21.31.
Variant type: single nucleotide variant.
Coding change: c.1352C>A on transcript NM_007294.4 (MANE Select); coding-DNA position 1352, C replaced by A.
Protein change: p.Ser451Ter; replaces serine 451 with a stop codon.
Molecular consequence: nonsense. On other transcripts: intron variant (137).
Genome position (GRCh38, 1-based): chr17:43,094,179, G>T on the plus strand (C>A on the coding strand, the complement: BRCA1 is on the minus strand). VCF-style: chr17-43094179-G-T. GRCh37 (hg19) VCF-style: chr17-41246196-G-T.
Other names: 1471C>A; c.1016C>A, p.Ser339Ter (NM_001407958.1, NM_001407954.1, NM_001407955.1 and 1 more transcripts); c.971C>A, p.Ser324Ter (NM_001407959.1, NM_001407960.1, NM_001407963.1); c.968C>A, p.Ser323Ter (NM_001407962.1); c.1208C>A, p.Ser403Ter (NM_001407964.1, NM_001407740.1, NM_001407741.1 and 20 more transcripts); c.848C>A, p.Ser283Ter (NM_001407965.1); c.464C>A, p.Ser155Ter (NM_001407966.1, NM_001407967.1); c.1211C>A, p.Ser404Ter (NM_007297.4, NM_001407692.1, NM_001407694.1 and 29 more transcripts); and 41 more; short protein forms S451*, S404*, S283*, S323*, S363*, S380*, S424*, S155*.
Identifiers: ClinVar variation 54217 (VCV000054217.5), dbSNP rs80356891, ClinGen allele CA000898.

ClinVar aggregate classification (germline): Pathogenic. Review status: reviewed by expert panel (3 of 4 stars). 3 submissions from 3 submitters: Pathogenic (1). 2 of the submissions do not count toward it. Last evaluated 2016-04-22.

Conditions:
Breast-ovarian cancer, familial, susceptibility to, 1 (BROVCA1). Also called: OVARIAN CANCER, SUSCEPTIBILITY TO; BRCA1 Hereditary Breast and Ovarian Cancer. Identifiers: Orphanet 145, MedGen C2676676, MONDO:0011450, OMIM 604370. Disease mechanism: loss of function.

Submissions (3):

Evidence-based Network for the Interpretation of Germline Mutant Alleles (ENIGMA)
Classification: Pathogenic for Breast-ovarian cancer, familial, susceptibility to, 1. Last evaluated: 2016-04-22. Review status: reviewed by expert panel. Criteria: ENIGMA BRCA1/2 Classification Criteria (2015). Collection method: curation. Allele origin: germline.
Comment: Variant allele predicted to encode a truncated non-functional protein.

Consortium of Investigators of Modifiers of BRCA1/2 (CIMBA), c/o University of Cambridge
Classification: Pathogenic for Breast-ovarian cancer, familial, susceptibility to, 1. Last evaluated: 2015-10-02. Review status: criteria provided, single submitter. Criteria: CIMBA Mutation Classification guidelines May 2016. Collection method: clinical testing. Allele origin: germline. Not counted in ClinVar's aggregate classification.

Breast Cancer Information Core (BIC) (BRCA1)
Classification: Pathogenic for Breast-ovarian cancer, familial 1. Last evaluated: 2003-11-25. Review status: no assertion criteria provided. Collection method: clinical testing. Allele origin: germline. Affected: yes. Observed: 1 variant allele. Not counted in ClinVar's aggregate classification.